The following is an entry in ClinVar:

NM_001297.5(CNGB1):c.976G>C (p.Gly326Arg)

Gene: CNGB1 (cyclic nucleotide gated channel subunit beta 1; minus strand). Cytogenetic location: 16q21.
Variant type: single nucleotide variant.
Coding change: c.976G>C on transcript NM_001297.5 (MANE Select); coding-DNA position 976, G replaced by C.
Protein change: p.Gly326Arg; replaces glycine 326 with arginine.
Molecular consequence: missense variant.
Genome position (GRCh38, 1-based): chr16:57,950,439, C>G on the plus strand (G>C on the coding strand, the complement: CNGB1 is on the minus strand). VCF-style: chr16-57950439-C-G. GRCh37 (hg19) VCF-style: chr16-57984343-C-G.
Other names: c.958G>C, p.Gly320Arg (NM_001286130.2); short protein forms G326R, G320R.
Identifiers: ClinVar variation 636164 (VCV000636164.8), dbSNP rs763165985, ClinGen allele CA8083606.
Genomic context (GRCh38, chr16:57,950,439, plus strand): 5'-ACCTGGGCATCTTCTCCACAGCTTTGTTCTCTTCTTCATAAGCTGGAACCACCTCTGTAC[C>G]CTGTGGGCTGGTACTGACATCCTGGTGGGCATCCTCCCAGGGCGGTTCAACCTCCTCTAG-3'
Protein context (NP_001288.3, residues 316-336): AHQDVSTSPQ[Gly326Arg]TEVVPAYEEE

ClinVar aggregate classification (germline): Uncertain significance. Review status: criteria provided, multiple submitters, no conflicts (2 of 4 stars). 4 submissions from 4 submitters: Uncertain significance (3). 1 of the submissions does not count toward it. Last evaluated 2026-09-25.

Conditions:
Retinal dystrophy. Also called: Inherited retinal dystrophy. Identifiers: Orphanet 71862, MedGen C0854723, MeSH D058499, MONDO:0019118, HP:0000556.
Retinitis pigmentosa (RP). Identifiers: Orphanet 791, MedGen C0035334, MeSH D012174, MONDO:0019200, OMIM 268000. Inheritance: Autosomal dominant, autosomal recessive and X linked inheritance.
CNGB1-related disorder. Also called: CNGB1-related condition.

Allele frequency attached by ClinVar (database versions not stated): TOPMed 0.00004; gnomAD 0.00006.
gnomAD v4.1: 87 of 1,614,142 alleles (0.0054%); highest among the groups gnomAD compares: Non-Finnish European, 0.0072%; no homozygotes.

Submissions (4):

PreventionGenetics, part of Exact Sciences
Classification: Uncertain significance for CNGB1-related condition. Last evaluated: 2026-09-25. Review status: criteria provided, single submitter. Criteria: ACMG Guidelines, 2015. Collection method: clinical testing. Allele origin: germline.
Comment: The CNGB1 c.976G>C variant is predicted to result in the amino acid substitution p.Gly326Arg. This variant was reported in an individual with retinitis pigmentosa (Table S4, Jespersgaard et al. 2019. PubMed ID: 30718709). This variant is reported in 0.0070% of alleles in individuals of European (Non-Finnish) descent in gnomAD. At this time, the clinical significance of this variant is uncertain due to the absence of conclusive functional and genetic evidence.

Institute of Human Genetics, Univ. Regensburg, Univ. Regensburg
Classification: Uncertain significance for Retinal dystrophy. Last evaluated: 2023-01-01. Review status: criteria provided, single submitter. Criteria: ACMG Guidelines, 2015. Collection method: clinical testing. Allele origin: germline. Affected: yes.

Labcorp Genetics (formerly Invitae), Labcorp
Classification: Uncertain significance. Last evaluated: 2021-05-01. Review status: criteria provided, single submitter. Criteria: Invitae Variant Classification Sherloc (09022015). Collection method: clinical testing. Allele origin: germline.
Comment: In summary, the available evidence is currently insufficient to determine the role of this variant in disease. Therefore, it has been classified as a Variant of Uncertain Significance. Advanced modeling of protein sequence and biophysical properties (such as structural, functional, and spatial information, amino acid conservation, physicochemical variation, residue mobility, and thermodynamic stability) performed at Invitae indicates that this missense variant is not expected to disrupt CNGB1 protein function. This variant has been observed in individual(s) with autosomal recessive retinitis pigmentosa (PMID: 30718709). ClinVar contains an entry for this variant (Variation ID: 636164). This variant is present in population databases (rs763165985, ExAC 0.003%). This sequence change replaces glycine with arginine at codon 326 of the CNGB1 protein (p.Gly326Arg). The glycine residue is weakly conserved and there is a moderate physicochemical difference between glycine and arginine.

Department of Clinical Genetics, Copenhagen University Hospital, Rigshospitalet
Classification: Uncertain significance for Retinitis pigmentosa. Last evaluated: 2018-04-01. Review status: no assertion criteria provided. Collection method: research. Allele origin: unknown. Affected: yes. Study: VeluxRD. Not counted in ClinVar's aggregate classification.

Literature cited by the submitters: PubMed 30718709 (cited by 3 submitters).